The following is an entry in ClinVar:

NM_005530.3(IDH3A):c.35G>C (p.Arg12Pro)

Gene: IDH3A (isocitrate dehydrogenase (NAD(+)) 3 catalytic subunit alpha; plus strand). Cytogenetic location: 15q25.1.
Variant type: single nucleotide variant.
Coding change: c.35G>C on transcript NM_005530.3 (MANE Select); coding-DNA position 35, G replaced by C.
Protein change: p.Arg12Pro; replaces arginine 12 with proline.
Molecular consequence: missense variant.
Genome position (GRCh38, 1-based): chr15:78,155,220, G>C. VCF-style: chr15-78155220-G-C. GRCh37 (hg19) VCF-style: chr15-78447562-G-C.
Other names: short protein forms R12P.
Identifiers: ClinVar variation 1462880 (VCV001462880.8), dbSNP rs766903515, ClinGen allele CA393556735.

ClinVar aggregate classification (germline): Uncertain significance (1 of 4 stars; one submission).

Submission:

Labcorp Genetics (formerly Invitae), Labcorp
Classification: Uncertain significance. Last evaluated: 2025-01-27. Review status: criteria provided, single submitter. Criteria: Invitae Variant Classification Sherloc (09022015). Collection method: clinical testing. Allele origin: germline.
Comment: This sequence change replaces arginine, which is basic and polar, with proline, which is neutral and non-polar, at codon 12 of the IDH3A protein (p.Arg12Pro). This variant is not present in population databases (gnomAD no frequency). This variant has not been reported in the literature in individuals affected with IDH3A-related conditions. ClinVar contains an entry for this variant (Variation ID: 1462880). An algorithm developed to predict the effect of missense changes on protein structure and function (PolyPhen-2) suggests that this variant is likely to be disruptive. In summary, the available evidence is currently insufficient to determine the role of this variant in disease. Therefore, it has been classified as a Variant of Uncertain Significance.